The following is an entry in ClinVar:

NM_000204.5(CFI):c.265_266del (p.Lys89fs)

Gene: CFI (complement factor I; minus strand). Cytogenetic location: 4q25.
Variant type: Deletion.
Coding change: c.265_266del on transcript NM_000204.5 (MANE Select); coding-DNA positions 265 to 266, 2 bases deleted (AA; older notation c.265_266delAA).
Protein change: p.Lys89fs; shifts the reading frame from lysine 89.
Molecular consequence: frameshift variant. On other transcripts: non-coding transcript variant (3), intron variant (1).
Genome position (GRCh38, 1-based): chr4:109,766,616-109,766,617, TT deleted on the plus strand (AA on the coding strand, the reverse complement: CFI is on the minus strand); deleting any 2 consecutive bases within chr4:109,766,616-109,766,619 gives the same sequence; the c. name uses the placement nearest the transcript's 3' end. VCF-style (leftmost placement, unchanged base first): chr4-109766615-CTT-C. GRCh37 (hg19) VCF-style: chr4-110687771-CTT-C.
Other names: c.265_266del, p.Lys89fs (NM_001318057.2, NM_001331035.2, NM_001375278.1 and 5 more transcripts); c.-127-4925_-127-4924del (NM_001375284.1); c.265_266delAA (NM_000204.5); short protein forms K89fs.
Identifiers: ClinVar variation 1455473 (VCV001455473.6), dbSNP rs2126224371, ClinGen allele CA2573137959.

ClinVar aggregate classification (germline): Pathogenic. Review status: criteria provided, multiple submitters, no conflicts (2 of 4 stars). 2 submissions from 2 submitters: Pathogenic (2). Last evaluated 2025-07-21.

Conditions:
Factor I deficiency (CFID). Also called: Complement factor I deficiency. Identifiers: Orphanet 200418, MedGen C3463916, MONDO:0012594, OMIM 610984.

Submissions (2):

Labcorp Genetics (formerly Invitae), Labcorp
Classification: Pathogenic. Last evaluated: 2025-07-21. Review status: criteria provided, single submitter. Criteria: Invitae Variant Classification Sherloc (09022015). Collection method: clinical testing. Allele origin: germline.
Comment: This sequence change creates a premature translational stop signal (p.Lys89Glufs*14) in the CFI gene. It is expected to result in an absent or disrupted protein product. Loss-of-function variants in CFI are known to be pathogenic (PMID: 15917334, 16621965, 19065647, 20016463, 22710145). This variant is not present in population databases (gnomAD no frequency). This variant has not been reported in the literature in individuals affected with CFI-related conditions. ClinVar contains an entry for this variant (Variation ID: 1455473). For these reasons, this variant has been classified as Pathogenic.

Women's Health and Genetics/Laboratory Corporation of America, LabCorp
Classification: Pathogenic for Factor I deficiency. Last evaluated: 2024-11-05. Review status: criteria provided, single submitter. Criteria: LabCorp Variant Classification Summary - May 2015. Collection method: clinical testing. Allele origin: germline.
Comment: Variant summary: CFI c.265_266delAA (p.Lys89GlufsX14) results in a premature termination codon, predicted to cause a truncation of the encoded protein or absence of the protein due to nonsense mediated decay, which are commonly known mechanisms for disease. The variant was absent in 251198 control chromosomes. To our knowledge, no occurrence of c.265_266delAA in individuals affected with Complement Factor I Deficiency and no experimental evidence demonstrating its impact on protein function have been reported. ClinVar contains an entry for this variant (Variation ID: 1455473). Based on the evidence outlined above, the variant was classified as pathogenic.

Literature cited by the submitters: PubMed 15917334 (cited by Labcorp Genetics (formerly Invitae), Labcorp); PubMed 16621965 (cited by Labcorp Genetics (formerly Invitae), Labcorp); PubMed 19065647 (cited by Labcorp Genetics (formerly Invitae), Labcorp); PubMed 20016463 (cited by Labcorp Genetics (formerly Invitae), Labcorp); PubMed 22710145 (cited by Labcorp Genetics (formerly Invitae), Labcorp).